The following is an entry in ClinVar:

ClinVar aggregate classification (germline): Benign/Likely benign. Review status: criteria provided, multiple submitters, no conflicts (2 of 4 stars). 4 submissions from 4 submitters: Benign (3); Likely benign (1). Last evaluated 2026-01-28.

Allele frequency attached by ClinVar (database versions not stated): TOPMed 0.00188; ESP Exome Variant Server 0.00208; 1000 Genomes Project 30x 0.00219; 1000 Genomes Project 0.00240; gnomAD exomes 0.00311; ExAC 0.00323; gnomAD 0.00368.
gnomAD v4.1: 5,312 of 1,612,140 alleles (0.33%); highest among the groups gnomAD compares: Non-Finnish European, 0.37%; 19 homozygotes.

Submissions (4):

Labcorp Genetics (formerly Invitae), Labcorp
Classification: Benign. Last evaluated: 2026-01-28. Review status: criteria provided, single submitter. Criteria: Invitae Variant Classification Sherloc (09022015). Collection method: clinical testing. Allele origin: germline.

Blueprint Genetics
Classification: Likely benign. Last evaluated: 2024-11-22. Review status: criteria provided, single submitter. Criteria: ACMG Guidelines, 2015. Collection method: clinical testing. Allele origin: germline.

CeGaT Center for Human Genetics Tuebingen
Classification: Benign. Last evaluated: 2022-03-01. Review status: criteria provided, single submitter. Criteria: CeGaT Center For Human Genetics Tuebingen Variant Classification Criteria Version 2. Collection method: clinical testing. Allele origin: germline. Affected: yes. Observed: 1 variant allele.
Comment: CAPN5: BS1, BS2

Breakthrough Genomics
Classification: Benign. Review status: criteria provided, single submitter. Criteria: ACMG Guidelines, 2015. Collection method: not provided. Allele origin: germline. Inheritance: Autosomal dominant inheritance. Affected: yes.

NM_004055.5(CAPN5):c.1653G>A (p.Ser551=)

Gene: CAPN5 (calpain 5; plus strand). Cytogenetic location: 11q13.5.
Variant type: single nucleotide variant.
Coding change: c.1653G>A on transcript NM_004055.5 (MANE Select); coding-DNA position 1653, G replaced by A.
Protein change: p.Ser551=; no amino-acid change (serine 551 retained).
Molecular consequence: synonymous variant.
Genome position (GRCh38, 1-based): chr11:77,122,625, G>A. VCF-style: chr11-77122625-G-A. GRCh37 (hg19) VCF-style: chr11-76833671-G-A.
Identifiers: ClinVar variation 771179 (VCV000771179.44), dbSNP rs144226060, ClinGen allele CA6196869.